The following is an entry in ClinVar:

ClinVar aggregate classification (germline): Uncertain significance (1 of 4 stars; one submission).

Conditions:
Neuropathy, hereditary sensory and autonomic, type 2A (HSAN2A). Also called: ACROOSTEOLYSIS, GIACCAI TYPE; ACROOSTEOLYSIS, NEUROGENIC; MORVAN DISEASE; NEUROPATHY, CONGENITAL SENSORY; NEUROPATHY, HEREDITARY SENSORY RADICULAR, AUTOSOMAL RECESSIVE; NEUROPATHY, HEREDITARY SENSORY, TYPE IIA. Identifiers: Orphanet 970, MedGen C2752089, MONDO:0024309, OMIM 201300.
Pseudohypoaldosteronism type 2C (PHA2C). Also called: Pseudohypoaldosteronism Type IIC. Identifiers: Orphanet 757, Orphanet 88940, MedGen C1840391, MONDO:0013778, OMIM 614492.

Allele frequency attached by ClinVar (database versions not stated): TOPMed below 0.00001; gnomAD 0.00001; gnomAD exomes 0.00001.
gnomAD v4.1: 12 of 1,613,978 alleles (0.00074%); highest among the groups gnomAD compares: East Asian, 0.0022%; no homozygotes.

Submission:

Labcorp Genetics (formerly Invitae), Labcorp
Classification: Uncertain significance for Neuropathy, hereditary sensory and autonomic, type 2A; Pseudohypoaldosteronism type 2C. Last evaluated: 2023-04-07. Review status: criteria provided, single submitter. Criteria: Invitae Variant Classification Sherloc (09022015). Collection method: clinical testing. Allele origin: germline.
Comment: This sequence change replaces glutamic acid, which is acidic and polar, with glutamine, which is neutral and polar, at codon 2046 of the WNK1 protein (p.Glu2046Gln). This variant is present in population databases (no rsID available, gnomAD 0.005%). This variant has not been reported in the literature in individuals affected with WNK1-related conditions. ClinVar contains an entry for this variant (Variation ID: 1495167). Advanced modeling of protein sequence and biophysical properties (such as structural, functional, and spatial information, amino acid conservation, physicochemical variation, residue mobility, and thermodynamic stability) performed at Invitae indicates that this missense variant is not expected to disrupt WNK1 protein function. In summary, the available evidence is currently insufficient to determine the role of this variant in disease. Therefore, it has been classified as a Variant of Uncertain Significance.

NM_018979.4(WNK1):c.5380G>C (p.Glu1794Gln)

Gene: WNK1 (WNK lysine deficient protein kinase 1; plus strand). Cytogenetic location: 12p13.33.
Variant type: single nucleotide variant.
Coding change: c.5380G>C on transcript NM_018979.4 (MANE Select); coding-DNA position 5380, G replaced by C.
Protein change: p.Glu1794Gln; replaces glutamic acid 1794 with glutamine.
Molecular consequence: missense variant.
Genome position (GRCh38, 1-based): chr12:889,155, G>C. VCF-style: chr12-889155-G-C. GRCh37 (hg19) VCF-style: chr12-998321-G-C.
Other names: c.6160G>C, p.Glu2054Gln (NM_001184985.2); c.4639G>C, p.Glu1547Gln (NM_014823.3); c.6136G>C, p.Glu2046Gln (NM_213655.5); short protein forms E2054Q, E1547Q, E1794Q, E2046Q.
Identifiers: ClinVar variation 1495167 (VCV001495167.6), dbSNP rs1274945516, ClinGen allele CA383333201.